The following is an entry in ClinVar:

ClinVar aggregate classification (germline): Pathogenic. Review status: reviewed by expert panel (3 of 4 stars). 7 submissions from 7 submitters: Pathogenic (1). 6 of the submissions do not count toward it. Last evaluated 2024-02-02.

Conditions:
Factor VIII deficiency. Identifiers: MedGen C3494187, OMIM 134500.
Hereditary factor VIII deficiency disease (HEMA). Also called: AUTOSOMAL HEMOPHILIA A; Hemophilia A; HEMOPHILIA, CLASSIC; Hemophilia A, congenital; HEM A; Factor 8 deficiency, congenital. Identifiers: Orphanet 98878, MedGen C0019069, MONDO:0010602, OMIM 306700.

Allele frequency attached by ClinVar (database versions not stated): gnomAD exomes below 0.00001.
gnomAD v4.1: 1 of 1,210,019 alleles (0.000083%); highest among the groups gnomAD compares: Non-Finnish European, 0.00011%; no homozygotes.

Submissions (8):

ClinGen Coagulation Factor Deficiency Variant Curation Expert Panel, Clingen
Classification: Pathogenic for Hereditary factor VIII deficiency disease. Last evaluated: 2024-02-02. Review status: reviewed by expert panel. Criteria: ClinGen CoagFactor ACMG Specifications F8 V1.0.0. Collection method: curation. Allele origin: germline. Inheritance: X-linked inheritance.
Comment: The c.6046C>T (p.Arg2016Trp) variant is completely absent from gnomAD v2.1.1 and gnomAD v3 meeting PM2_Supporting. This missense variant has a REVEL score of 0.822 (>0.6) meeting PP3 criteria. More than 46 probands are reported with the variant and moderate-severe hemophilia A in the literature and internal laboratory data (PMID: 29296726, 20102490, 18387975), meeting F8 phenotype criteria. This variant has been associated with discrepant factor VIII activity levels (PMID: 32232366). This variant has also been reported in individuals with a history of inhibitor development to factor replacement therapy (EAHAD database). In summary, this variant meets criteria to be classified as pathogenic. ACMG/AMP criteria applied, as specified by the Coagulation Factor Deficiency Variant Curation Expert Panel for F8: PS4_Very Strong, PP4_Moderate, PP3, PM2_Supporting.

Myriad Genetics, Inc.
Classification: Pathogenic for Hereditary factor VIII deficiency disease. Last evaluated: 2025-01-14. Review status: criteria provided, single submitter. Criteria: Myriad Autosomal Dominant, Autosomal Recessive and X-Linked Classification Criteria (2023). Collection method: clinical testing. Allele origin: unknown. Not counted in ClinVar's aggregate classification.
Comment: NM_000132.3(F8):c.6046C>T(R2016W) is a missense variant classified as pathogenic in the context of hemophilia A. R2016W has been observed in cases with relevant disease (PMID: 18387975, 20533009, 21883705, 28056528, 32224444, 33760382, 35014236). Relevant functional assessments of this variant are available in the literature (PMID: 11442643, 29170251). R2016W has not been observed in referenced population frequency databases. In summary, NM_000132.3(F8):c.6046C>T(R2016W) is a missense variant that has functional support for pathogenicity and has been observed more frequently in cases with the relevant disease than in healthy populations. Please note: this variant was assessed in the context of healthy population screening.

North West Genomic Laboratory Hub, Manchester University NHS Foundation Trust
Classification: Pathogenic for Factor VIII deficiency. Last evaluated: 2024-08-07. Review status: criteria provided, single submitter. Criteria: ACGS Best Practice Guidelines for Variant Classification in Rare Disease 2020. Collection method: clinical testing. Allele origin: germline. Affected: yes. Not counted in ClinVar's aggregate classification.
Comment: PS4_Mod PP4_Mod PM5_Mod PM2_Mod PM6_Mod PS3_Str

Genetics and Molecular Pathology, SA Pathology
Classification: Pathogenic for Hereditary factor VIII deficiency disease. Last evaluated: 2020-10-01. Review status: criteria provided, single submitter. Criteria: ACMG Guidelines, 2015. Collection method: clinical testing. Allele origin: germline. Inheritance: X-linked recessive inheritance. Affected: yes. Not counted in ClinVar's aggregate classification.

ARUP Laboratories, Molecular Genetics and Genomics, ARUP Laboratories
Classification: Pathogenic for Hereditary factor VIII deficiency disease. Last evaluated: 2018-07-22. Review status: criteria provided, single submitter. Criteria: ARUP Molecular Germline Variant Investigation Process. Collection method: clinical testing. Allele origin: germline. Not counted in ClinVar's aggregate classification.
Comment: The F8 c.6046C>T; p.Arg2016Trp variant (rs137852453), also known as p.Arg1997Trp in traditional nomenclature, is reported in the literature in multiple individuals and families affected with severe to moderate/mild hemophilia A (Fernandez-Lopez 2005, Garagiola 2015, Guo 2018, Higuchi 1991, Hill 2005, Liu 1998, Pieneman 1995, Reitter 2010, Rossetti 2007, Santagostino 2010, Theophilus 2001, Timur 2001, Vidal 2001, Waseem 1999). This variant is absent from general population databases (1000 Genomes Project, Exome Variant Server, and Genome Aggregation Database), indicating it is not a common polymorphism. Additionally, multiple other variants at this codon (p.Arg2016Gln/Leu/Pro) have been reported in individuals with hemophilia A (Markoff 2009, Vidal 2001). Functional analyses of the variant protein show a reduction in secreted protein and activity, and an impact on splicing that further reduces protein activity (Donadon 2018, Theophilus 2001). The arginine at codon 2016 is highly conserved, and computational analyses (SIFT, PolyPhen-2) predict that this variant is deleterious. Based on available information, this variant is considered to be pathogenic. References: Donadon I et al. Clustered F8 missense mutations cause hemophilia A by combined alteration of splicing and protein biosynthesis and activity. Haematologica. 2018 Feb;103(2):344-350. Fernandez-Lopez O et al. The spectrum of mutations in Southern Spanish patients with hemophilia A and identification of 28 novel mutations. Haematologica. 2005 May;90(5):707-10. Garagiola I et al. A recurrent F8 mutation (c.6046C>T) causing hemophilia A in 8% of northern Italian patients: evidence for a founder effect. Mol Genet Genomic Med. 2015 Dec 14;4(2):152-9. Guo Z et al. Spectrum of Molecular Defects in 216 Chinese Families With Hemophilia A: Identification of Noninversion Mutation Hot Spots and 42 Novel Mutations. Clin Appl Thromb Hemost. 2018 Jan;24(1):70-78. Higuchi M et al. Molecular characterization of mild-to-moderate hemophilia A: detection of the mutation in 25 of 29 patients by denaturing gradient gel electrophoresis. Proc Natl Acad Sci U S A. 1991 Oct 1;88(19):8307-11. Hill M et al. Mutation analysis in 51 patients with haemophilia A: report of 10 novel mutations and correlations between genotype and clinical phenotype. Haemophilia. 2005 Mar;11(2):133-41. Liu M et al. A domain mutations in 65 haemophilia A families and molecular modelling of dysfunctional factor VIII proteins. Br J Haematol. 1998 Dec;103(4):1051-60. Markoff A et al. Combined homology modelling and evolutionary significance evaluation of missense mutations in blood clotting factor VIII to highlight aspects of structure and function. Haemophilia. 2009 Jul;15(4):932-41. Pieneman WC et al. Screening for mutations in haemophilia A patients by multiplex PCR-SSCP, Southern blotting and RNA analysis: the detection of a genetic abnormality in the factor VIII gene in 30 out of 35 patients. Br J Haematol. 1995 Jun;90(2):442-9. Reitter S et al. Spectrum of causative mutations in patients with haemophilia A in Austria. Thromb Haemost. 2010 Jul;104(1):78-85. Rossetti LC et al. Sixteen novel hemophilia A causative mutations in the first Argentinian series of severe molecular defects. Haematologica. 2007 Jun;92(6):842-5. Santagostino E et al. Severe hemophilia with mild bleeding phenotype: molecular characterization and global coagulation profile. J Thromb Haemost. 2010 Apr;8(4):737-43. Theophilus BD et al. Site and type of mutations in the factor VIII gene in patients and carriers of haemophilia A. Haemophilia. 2001 Jul;7(4):381-91. Timur AA et al. Molecular pathology of haemophilia A in Turkish patients: identification of 36 independent mutations. Haemophilia. 2001 Sep;7(5):475-81. Vidal F et al. Rapid hemophilia A molecular diagnosis by a simple DNA sequencing procedure: identification of 14 novel mutations. Thromb Haemost. 2001 Apr;85(4):580-3. Waseem NH et al. Start of UK confidential haemophilia A database: analysis of 142 patients by solid phase fluorescent chemical cleavage of mismatch. Haemophilia Centres. Thromb Haemost. 1999 Jun;81(6):900-5.

Angelo Bianchi Bonomi Hemophilia and Thrombosis Center, Fondazione IRCCS Ca Granda Ospedale Maggiore Policlinico
Classification: Pathogenic for Hereditary factor VIII deficiency disease. Last evaluated: 2019-06-01. Review status: no assertion criteria provided. Collection method: clinical testing. Allele origin: germline. Affected: yes. Observed: 2 variant alleles. Not counted in ClinVar's aggregate classification.

OMIM
Classification: Pathogenic for HEMOPHILIA A. Last evaluated: 1995-01-01. Review status: no assertion criteria provided. Collection method: literature only. Allele origin: germline. Not counted in ClinVar's aggregate classification.

Dr. Peter K. Rogan Lab, Western University
No classification provided (evidence only). Condition: Thyroid cancer, nonmedullary, 1. Review status: no classification provided. Collection method: in vitro. Allele origin: not applicable. Functional consequence: retained intron. Not counted in ClinVar's aggregate classification.

Literature cited by the submitters: PubMed 11442643 (cited by Myriad Genetics, Inc. and Angelo Bianchi Bonomi Hemophilia and Thrombosis Center, Fondazione IRCCS Ca Granda Ospedale Maggiore Policlinico); PubMed 18387975 (cited by Myriad Genetics, Inc. and Angelo Bianchi Bonomi Hemophilia and Thrombosis Center, Fondazione IRCCS Ca Granda Ospedale Maggiore Policlinico); PubMed 20533009 (cited by Myriad Genetics, Inc. and Angelo Bianchi Bonomi Hemophilia and Thrombosis Center, Fondazione IRCCS Ca Granda Ospedale Maggiore Policlinico); PubMed 21883705 (cited by Myriad Genetics, Inc. and Angelo Bianchi Bonomi Hemophilia and Thrombosis Center, Fondazione IRCCS Ca Granda Ospedale Maggiore Policlinico); PubMed 28056528 (cited by Myriad Genetics, Inc.); PubMed 29170251 (cited by Myriad Genetics, Inc.); PubMed 32224444 (cited by Myriad Genetics, Inc.); PubMed 33760382 (cited by Myriad Genetics, Inc.); PubMed 35014236 (cited by Myriad Genetics, Inc.); PubMed 20300295 (cited by Angelo Bianchi Bonomi Hemophilia and Thrombosis Center, Fondazione IRCCS Ca Granda Ospedale Maggiore Policlinico); PubMed 11857744 (cited by Angelo Bianchi Bonomi Hemophilia and Thrombosis Center, Fondazione IRCCS Ca Granda Ospedale Maggiore Policlinico); PubMed 15921397 (cited by Angelo Bianchi Bonomi Hemophilia and Thrombosis Center, Fondazione IRCCS Ca Granda Ospedale Maggiore Policlinico); PubMed 18691168 (cited by Angelo Bianchi Bonomi Hemophilia and Thrombosis Center, Fondazione IRCCS Ca Granda Ospedale Maggiore Policlinico); PubMed 1908096 (cited by Angelo Bianchi Bonomi Hemophilia and Thrombosis Center, Fondazione IRCCS Ca Granda Ospedale Maggiore Policlinico); PubMed 15810915 (cited by Angelo Bianchi Bonomi Hemophilia and Thrombosis Center, Fondazione IRCCS Ca Granda Ospedale Maggiore Policlinico); PubMed 9886318 (cited by Angelo Bianchi Bonomi Hemophilia and Thrombosis Center, Fondazione IRCCS Ca Granda Ospedale Maggiore Policlinico); PubMed 7794769 (cited by Angelo Bianchi Bonomi Hemophilia and Thrombosis Center, Fondazione IRCCS Ca Granda Ospedale Maggiore Policlinico); PubMed 17550859 (cited by Angelo Bianchi Bonomi Hemophilia and Thrombosis Center, Fondazione IRCCS Ca Granda Ospedale Maggiore Policlinico); PubMed 20102490 (cited by Angelo Bianchi Bonomi Hemophilia and Thrombosis Center, Fondazione IRCCS Ca Granda Ospedale Maggiore Policlinico); PubMed 11554935 (cited by Angelo Bianchi Bonomi Hemophilia and Thrombosis Center, Fondazione IRCCS Ca Granda Ospedale Maggiore Policlinico); PubMed 11341489 (cited by Angelo Bianchi Bonomi Hemophilia and Thrombosis Center, Fondazione IRCCS Ca Granda Ospedale Maggiore Policlinico); PubMed 10404764 (cited by Angelo Bianchi Bonomi Hemophilia and Thrombosis Center, Fondazione IRCCS Ca Granda Ospedale Maggiore Policlinico); PubMed 20431853 (cited by Angelo Bianchi Bonomi Hemophilia and Thrombosis Center, Fondazione IRCCS Ca Granda Ospedale Maggiore Policlinico); PubMed 29296726 (cited by Angelo Bianchi Bonomi Hemophilia and Thrombosis Center, Fondazione IRCCS Ca Granda Ospedale Maggiore Policlinico); PubMed 16173970 (cited by Angelo Bianchi Bonomi Hemophilia and Thrombosis Center, Fondazione IRCCS Ca Granda Ospedale Maggiore Policlinico); PubMed 16786531 (cited by Angelo Bianchi Bonomi Hemophilia and Thrombosis Center, Fondazione IRCCS Ca Granda Ospedale Maggiore Policlinico); PubMed 21645224 (cited by Angelo Bianchi Bonomi Hemophilia and Thrombosis Center, Fondazione IRCCS Ca Granda Ospedale Maggiore Policlinico); PubMed 1924291 (cited by OMIM); PubMed 7728145 (cited by OMIM).

NM_000132.4(F8):c.6046C>T (p.Arg2016Trp)

Gene: F8 (coagulation factor VIII; minus strand). Cytogenetic location: Xq28.
Variant type: single nucleotide variant.
Coding change: c.6046C>T on transcript NM_000132.4 (MANE Select); coding-DNA position 6046, C replaced by T.
Protein change: p.Arg2016Trp; replaces arginine 2016 with tryptophan.
Molecular consequence: missense variant.
Genome position (GRCh38, 1-based): chrX:154,902,120, G>A on the plus strand (C>T on the coding strand, the complement: F8 is on the minus strand). VCF-style: chrX-154902120-G-A. GRCh37 (hg19) VCF-style: chrX-154130395-G-A.
Other names: F8, ARG1997TRP; R1997W; NM_000132.3(F8):c.6046C>T; short protein forms R2016W.
Identifiers: ClinVar variation 10304 (VCV000010304.19), dbSNP rs137852453, ClinGen allele CA255197.
Genomic context (GRCh38, chrX:154,902,120, plus strand): 5'-ACACCAGAAAAAGTGTGCTCATCCCAGCATGTAGATGCTCGCCAATAAGGCATTCCACCC[G>A]CCAAATTCCAGCTTTGGATGGTAACATTTCCACTGTCTCAAAAACACCTTATAAAAACCA-3'
Protein context (NP_000123.1, residues 2006-2026): EMLPSKAGIW[Arg2016Trp]VECLIGEHLH